The following is an entry in ClinVar:

NM_031924.8(RSPH3):c.-225G>A

Gene: RSPH3 (radial spoke head 3; minus strand). Cytogenetic location: 6q25.3.
Variant type: single nucleotide variant.
Coding change: c.-225G>A on transcript NM_031924.8 (MANE Select); 225 bases upstream of the start codon, G replaced by A.
Molecular consequence: 5 prime UTR variant. On other transcripts: missense variant (1), non-coding transcript variant (1).
Genome position (GRCh38, 1-based): chr6:158,999,775, C>T on the plus strand (G>A on the coding strand, the complement: RSPH3 is on the minus strand). VCF-style: chr6-158999775-C-T. GRCh37 (hg19) VCF-style: chr6-159420807-C-T.
Other names: c.202G>A, p.Ala68Thr (NM_001346418.1); short protein forms A68T.
Identifiers: ClinVar variation 948783 (VCV000948783.9), dbSNP rs144832123, ClinGen allele CA4076084.

ClinVar aggregate classification (germline): Uncertain significance (1 of 4 stars; one submission).

Conditions:
Primary ciliary dyskinesia 32. Also called: CILIARY DYSKINESIA, PRIMARY, 32, WITHOUT SITUS INVERSUS. Identifiers: Orphanet 244, MedGen C4225311, MONDO:0014657, OMIM 616481.

Allele frequency attached by ClinVar (database versions not stated): ExAC 0.00002; gnomAD 0.00002; gnomAD exomes 0.00002 and 0.00003; TOPMed 0.00002; ESP Exome Variant Server 0.00015.

Submission:

Labcorp Genetics (formerly Invitae), Labcorp
Classification: Uncertain significance for Primary ciliary dyskinesia 32. Last evaluated: 2019-07-14. Review status: criteria provided, single submitter. Criteria: Invitae Variant Classification Sherloc (09022015). Collection method: clinical testing. Allele origin: germline.
Comment: In summary, the available evidence is currently insufficient to determine the role of this variant in disease. Therefore, it has been classified as a Variant of Uncertain Significance. Algorithms developed to predict the effect of missense changes on protein structure and function (SIFT, PolyPhen-2, Align-GVGD) all suggest that this variant is likely to be tolerated, but these predictions have not been confirmed by published functional studies and their clinical significance is uncertain. This variant has not been reported in the literature in individuals with RSPH3-related conditions. This variant is present in population databases (rs144832123, ExAC 0.003%). This sequence change replaces alanine with threonine at codon 68 of the RSPH3 protein (p.Ala68Thr). The alanine residue is weakly conserved and there is a small physicochemical difference between alanine and threonine.